The following is an entry in ClinVar:

ClinVar aggregate classification (germline): Uncertain significance (1 of 4 stars; one submission).

Submission:

Women's Health and Genetics/Laboratory Corporation of America, LabCorp
Classification: Uncertain significance. Last evaluated: 2022-10-08. Review status: criteria provided, single submitter. Criteria: LabCorp Variant Classification Summary - May 2015. Collection method: clinical testing. Allele origin: germline.
Comment: Variant summary: PYCR1 c.778G>C (p.Ala260Pro) results in a non-conservative amino acid change located in the Pyrroline-5-carboxylate reductase, dimerisation domain (IPR029036) of the encoded protein sequence. Five of five in-silico tools predict a damaging effect of the variant on protein function. The variant was absent in 248446 control chromosomes (gnomAD). The available data on variant occurrences in the general population are insufficient to allow any conclusion about variant significance. c.778G>C has been reported in the literature in at least one compound heterozygous individual affected with Cutis Laxa (Dimopoulou_2013). These data do not allow any conclusion about variant significance. To our knowledge, no experimental evidence demonstrating an impact on protein function has been reported. No clinical diagnostic laboratories have submitted clinical-significance assessments for this variant to ClinVar after 2014. Based on the evidence outlined above, the variant was classified as uncertain significance.

Literature cited by the submitters: PubMed 24035636.

NM_006907.4(PYCR1):c.778G>C (p.Ala260Pro)

Gene: PYCR1 (pyrroline-5-carboxylate reductase 1; minus strand). Cytogenetic location: 17q25.3.
Variant type: single nucleotide variant.
Coding change: c.778G>C on transcript NM_006907.4 (MANE Select); coding-DNA position 778, G replaced by C.
Protein change: p.Ala260Pro; replaces alanine 260 with proline.
Molecular consequence: missense variant. On other transcripts: intron variant (1).
Genome position (GRCh38, 1-based): chr17:81,934,345, C>G on the plus strand (G>C on the coding strand, the complement: PYCR1 is on the minus strand). VCF-style: chr17-81934345-C-G. GRCh37 (hg19) VCF-style: chr17-79892221-C-G.
Other names: c.685G>C, p.Ala229Pro (NM_001282279.2); c.778G>C, p.Ala260Pro (NM_001282280.2, NM_153824.3); c.859G>C, p.Ala287Pro (NM_001282281.2); c.633+308G>C (NM_001330523.2); short protein forms A229P, A260P, A287P.
Identifiers: ClinVar variation 1723259 (VCV001723259.1), dbSNP rs2510114376, ClinGen allele CA401536924.